The following is an entry in ClinVar:

ClinVar aggregate classification (germline): Conflicting classifications of pathogenicity. Review status: criteria provided, conflicting classifications (1 of 4 stars). 7 submissions from 7 submitters: Uncertain significance (6); Likely benign (1). Last evaluated 2025-08-13.

Conditions:
Hereditary cancer-predisposing syndrome. Also called: Hereditary neoplastic syndrome; Hereditary Cancer Syndrome; Neoplastic Syndromes, Hereditary; Tumor predisposition. Identifiers: Orphanet 140162, MedGen C0027672, MeSH D009386, MONDO:0015356.
Hereditary breast ovarian cancer syndrome. Also called: Hereditary breast and ovarian cancer syndrome; BRCA1- and BRCA2-Associated Hereditary Breast and Ovarian Cancer; Hereditary breast and/or ovarian cancer syndrome; Hereditary breast and ovarian cancer; Breast and ovarian cancer; Hereditary breast and ovarian cancer syndrome (HBOC). Identifiers: Orphanet 145, MedGen C0677776, MeSH D061325, MONDO:0003582. Disease mechanism: loss of function.
Peutz-Jeghers syndrome (PJS). Also called: Peutz-Jeghers polyposis; Periorificial lentiginosis syndrome; POLYPOSIS, HAMARTOMATOUS INTESTINAL; POLYPS-AND-SPOTS SYNDROME. Identifiers: Orphanet 2869, MedGen C0031269, MeSH D010580, MONDO:0008280, OMIM 175200.

Allele frequency attached by ClinVar (database versions not stated): ExAC 0.00001; gnomAD exomes 0.00001; ESP Exome Variant Server 0.00008.

Submissions (7):

Labcorp Genetics (formerly Invitae), Labcorp
Classification: Likely benign for Peutz-Jeghers syndrome. Last evaluated: 2025-08-13. Review status: criteria provided, single submitter. Criteria: Invitae Variant Classification Sherloc (09022015). Collection method: clinical testing. Allele origin: germline.

All of Us Research Program, National Institutes of Health
Classification: Uncertain significance for Peutz-Jeghers syndrome. Last evaluated: 2023-12-18. Review status: criteria provided, single submitter. Criteria: ACMG Guidelines, 2015. Collection method: clinical testing. Allele origin: germline. Inheritance: Autosomal dominant inheritance. Observed: 1 variant allele, 1 heterozygote.
Comment: This missense variant replaces arginine with glutamine at codon 106 of the STK11 protein. Computational prediction suggests that this variant may not impact protein structure and function (internally defined REVEL score threshold <= 0.5, PMID: 27666373). To our knowledge, functional studies have not been reported for this variant. This variant has been identified in an individual affected with colorectal cancer (PMID: 32658311). This variant has been identified in 3/249170 chromosomes in the general population by the Genome Aggregation Database (gnomAD). The available evidence is insufficient to determine the role of this variant in disease conclusively. Therefore, this variant is classified as a Variant of Uncertain Significance.

This study involves interpretation of variants in research participants for the purpose of population health screening. Participant phenotype was not available at the time of variant classification. Additional details can be found in publication PMID: 35346344, PMCID: PMC8962531

Color Diagnostics, LLC DBA Color Health
Classification: Uncertain significance for Hereditary cancer-predisposing syndrome. Last evaluated: 2023-11-24. Review status: criteria provided, single submitter. Criteria: ACMG Guidelines, 2015. Collection method: clinical testing. Allele origin: germline.
Comment: This missense variant replaces arginine with glutamine at codon 106 of the STK11 protein. Computational prediction suggests that this variant may not impact protein structure and function (internally defined REVEL score threshold <= 0.5, PMID: 27666373). To our knowledge, functional studies have not been reported for this variant. This variant has been identified in an individual affected with colorectal cancer (PMID: 32658311). This variant has been identified in 3/249170 chromosomes in the general population by the Genome Aggregation Database (gnomAD). The available evidence is insufficient to determine the role of this variant in disease conclusively. Therefore, this variant is classified as a Variant of Uncertain Significance.

Ambry Genetics
Classification: Uncertain significance for Hereditary cancer-predisposing syndrome. Last evaluated: 2023-08-29. Review status: criteria provided, single submitter. Criteria: Ambry Variant Classification Scheme 2023. Collection method: clinical testing. Allele origin: germline.
Comment: The p.R106Q variant (also known as c.317G>A), located in coding exon 2 of the STK11 gene, results from a G to A substitution at nucleotide position 317. The arginine at codon 106 is replaced by glutamine, an amino acid with highly similar properties. This alteration was seen in 0/732 breast cancer patients, 1/189 colorectal cancer patients and 0/490 cancer-free elderly controls in a Turkish population (Akcay IM et al. Int J Cancer, 2021 01;148:285-295). This amino acid position is not well conserved in available vertebrate species. In addition, this alteration is predicted to be tolerated by in silico analysis. Since supporting evidence is limited at this time, the clinical significance of this alteration remains unclear.

Genome-Nilou Lab
Classification: Uncertain significance for Peutz-Jeghers syndrome. Last evaluated: 2021-07-15. Review status: criteria provided, single submitter. Criteria: ACMG Guidelines, 2015. Collection method: clinical testing. Allele origin: germline. Affected: no.

Cambridge Genomics Laboratory, East Genomic Laboratory Hub, NHS Genomic Medicine Service
Classification: Uncertain significance for Hereditary breast ovarian cancer syndrome. Last evaluated: 2020-05-26. Review status: criteria provided, single submitter. Criteria: ACGS Best Practice Guidelines for Variant Classification in Rare Disease 2020. Collection method: clinical testing. Allele origin: germline. Affected: yes. Observed: 1 variant allele.

GeneDx
Classification: Uncertain significance. Last evaluated: 2016-03-28. Review status: criteria provided, single submitter. Criteria: GeneDx Variant Classification (06012015). Collection method: clinical testing. Allele origin: germline. Affected: yes.
Comment: This variant is denoted STK11 c.317G>A at the cDNA level, p.Arg106Gln (R106Q) at the protein level, and results in the change of an Arginine to a Glutamine (CGG>CAG). This variant has not, to our knowledge, been published in the literature as pathogenic or benign. STK11 Arg106Gln was not observed at a significant allele frequency in the NHLBI Exome Sequencing Project. Since Arginine and Glutamine differ in some properties, this is considered a semi-conservative amino acid substitution. STK11 Arg106Gln occurs at a position that is conserved in mammals and is located in the protein kinase domain (Uniprot). In silico analyses are inconsistent regarding the effect this variant may have on protein structure and function. Based on currently available evidence, it is unclear whether STK11 Arg106Gln is a pathogenic or benign variant. We consider it to be a variant of uncertain significance.

Literature cited by the submitters: PubMed 32658311 (cited by 3 submitters).

NM_000455.5(STK11):c.317G>A (p.Arg106Gln)

Gene: STK11 (serine/threonine kinase 11; plus strand). Cytogenetic location: 19p13.3.
Variant type: single nucleotide variant.
Coding change: c.317G>A on transcript NM_000455.5 (MANE Select); coding-DNA position 317, G replaced by A.
Protein change: p.Arg106Gln; replaces arginine 106 with glutamine.
Molecular consequence: missense variant.
Genome position (GRCh38, 1-based): chr19:1,218,443, G>A. VCF-style: chr19-1218443-G-A. GRCh37 (hg19) VCF-style: chr19-1218442-G-A.
Other names: short protein forms R106Q.
Identifiers: ClinVar variation 420770 (VCV000420770.25), dbSNP rs375622587, ClinGen allele CA047077.
Genomic context (GRCh38, chr19:1,218,443, plus strand): 5'-GTCGGCTGATACACCCCTGTCCTCTCTGTCCCAGGGAAATTCAACTACTGAGGAGGTTAC[G>A]GCACAAAAATGTCATCCAGCTGGTGGATGTGTTATACAACGAAGAGAAGCAGAAAATATA-3'
Protein context (NP_000446.1, residues 96-116): KKEIQLLRRL[Arg106Gln]HKNVIQLVDV